The following is an entry in ClinVar:

ClinVar aggregate classification (germline): Likely benign (1 of 4 stars; one submission).

Submission:

CeGaT Center for Human Genetics Tuebingen
Classification: Likely benign. Last evaluated: 2025-09-01. Review status: criteria provided, single submitter. Criteria: CeGaT Center For Human Genetics Tuebingen Variant Classification Criteria Version 2. Collection method: clinical testing. Allele origin: germline. Affected: yes. Observed: 1 variant allele.
Comment: PTPN2: BP4, BP7

NM_002828.4(PTPN2):c.24G>A (p.Glu8=)

Gene: PTPN2 (protein tyrosine phosphatase non-receptor type 2; minus strand). Cytogenetic location: 18p11.21.
Variant type: single nucleotide variant.
Coding change: c.24G>A on transcript NM_002828.4 (MANE Select); coding-DNA position 24, G replaced by A.
Protein change: p.Glu8=; no amino-acid change (glutamic acid 8 retained).
Molecular consequence: synonymous variant.
Genome position (GRCh38, 1-based): chr18:12,884,118, C>T on the plus strand (G>A on the coding strand, the complement: PTPN2 is on the minus strand). VCF-style: chr18-12884118-C-T. GRCh37 (hg19) VCF-style: chr18-12884117-C-T.
Other names: c.24G>A, p.Glu8= (NM_001207013.2, NM_080422.3, NM_080423.3).
Identifiers: ClinVar variation 4281487 (VCV004281487.7).